The following is an entry in ClinVar:

ClinVar aggregate classification (germline): Uncertain significance (1 of 4 stars; one submission).

Conditions:
Amyotrophic lateral sclerosis type 4 (ALS4). Also called: NEURONOPATHY, DISTAL HEREDITARY MOTOR, WITH PYRAMIDAL FEATURES; AMYOTROPHIC LATERAL SCLEROSIS 4, JUVENILE. Identifiers: Orphanet 357043, MedGen C1865409, MONDO:0011223, OMIM 602433.
Spinocerebellar ataxia, autosomal recessive, with axonal neuropathy 2 (SCAN2). Also called: Ataxia-ocular apraxia-2; ATAXIA-OCULOMOTOR APRAXIA 2; Ataxia with Oculomotor Apraxia; Ataxia with Oculomotor Apraxia Type 2. Identifiers: Orphanet 64753, MedGen C1853761, MONDO:0018996, OMIM 606002.

Submission:

Labcorp Genetics (formerly Invitae), Labcorp
Classification: Uncertain significance for Amyotrophic lateral sclerosis type 4; Spinocerebellar ataxia, autosomal recessive, with axonal neuropathy 2. Last evaluated: 2022-11-22. Review status: criteria provided, single submitter. Criteria: Invitae Variant Classification Sherloc (09022015). Collection method: clinical testing. Allele origin: germline.
Comment: In summary, the available evidence is currently insufficient to determine the role of this variant in disease. Therefore, it has been classified as a Variant of Uncertain Significance. Advanced modeling of protein sequence and biophysical properties (such as structural, functional, and spatial information, amino acid conservation, physicochemical variation, residue mobility, and thermodynamic stability) performed at Invitae indicates that this missense variant is not expected to disrupt SETX protein function. This variant has not been reported in the literature in individuals affected with SETX-related conditions. This variant is not present in population databases (gnomAD no frequency). This sequence change replaces valine, which is neutral and non-polar, with alanine, which is neutral and non-polar, at codon 1458 of the SETX protein (p.Val1458Ala).

NM_015046.7(SETX):c.4373T>C (p.Val1458Ala)

Gene: SETX (senataxin; minus strand). Cytogenetic location: 9q34.13.
Variant type: single nucleotide variant.
Coding change: c.4373T>C on transcript NM_015046.7 (MANE Select); coding-DNA position 4373, T replaced by C.
Protein change: p.Val1458Ala; replaces valine 1458 with alanine.
Molecular consequence: missense variant.
Genome position (GRCh38, 1-based): chr9:132,327,225, A>G on the plus strand (T>C on the coding strand, the complement: SETX is on the minus strand). VCF-style: chr9-132327225-A-G. GRCh37 (hg19) VCF-style: chr9-135202612-A-G.
Other names: c.4373T>C, p.Val1458Ala (NM_001351527.2, NM_001351528.2); short protein forms V1458A.
Identifiers: ClinVar variation 1943382 (VCV001943382.5), dbSNP rs2539096661, ClinGen allele CA375326399.